The following is an entry in ClinVar:

NM_031844.3(HNRNPU):c.70C>T (p.Arg24Cys)

Gene: HNRNPU (heterogeneous nuclear ribonucleoprotein U; minus strand). Cytogenetic location: 1q44.
Variant type: single nucleotide variant.
Coding change: c.70C>T on transcript NM_031844.3 (MANE Select); coding-DNA position 70, C replaced by T.
Protein change: p.Arg24Cys; replaces arginine 24 with cysteine.
Molecular consequence: missense variant.
Genome position (GRCh38, 1-based): chr1:244,864,238, G>A on the plus strand (C>T on the coding strand, the complement: HNRNPU is on the minus strand). VCF-style: chr1-244864238-G-A. GRCh37 (hg19) VCF-style: chr1-245027540-G-A.
Other names: c.70C>T, p.Arg24Cys (NM_004501.3); short protein forms R24C.
Identifiers: ClinVar variation 3669769 (VCV003669769.2).

ClinVar aggregate classification (germline): Uncertain significance (1 of 4 stars; one submission).

Conditions:
Developmental and epileptic encephalopathy, 54. Also called: HNRNPU-Related Neurodevelopmental Disorder; Epileptic encephalopathy, early infantile, 54. Identifiers: MedGen C4479319, MONDO:0033363, OMIM 617391.

Submission:

Labcorp Genetics (formerly Invitae), Labcorp
Classification: Uncertain significance for Developmental and epileptic encephalopathy, 54. Last evaluated: 2024-03-02. Review status: criteria provided, single submitter. Criteria: Invitae Variant Classification Sherloc (09022015). Collection method: clinical testing. Allele origin: germline.
Comment: This sequence change replaces arginine, which is basic and polar, with cysteine, which is neutral and slightly polar, at codon 24 of the HNRNPU protein (p.Arg24Cys). This variant is not present in population databases (gnomAD no frequency). This variant has not been reported in the literature in individuals affected with HNRNPU-related conditions. An algorithm developed to predict the effect of missense changes on protein structure and function (PolyPhen-2) suggests that this variant is likely to be disruptive. In summary, the available evidence is currently insufficient to determine the role of this variant in disease. Therefore, it has been classified as a Variant of Uncertain Significance.